The following is an entry in ClinVar:

ClinVar aggregate classification (germline): Uncertain significance (1 of 4 stars; one submission).

Submission:

GeneDx
Classification: Uncertain significance. Last evaluated: 2026-04-23. Review status: criteria provided, single submitter. Criteria: GeneDx Variant Classification Process June 2021. Collection method: clinical testing. Allele origin: germline.
Comment: Not observed at significant frequency in large population cohorts (gnomAD); In silico analysis suggests that this missense variant does not alter protein structure/function; Has not been previously published as pathogenic or benign to our knowledge

NM_014712.3(SETD1A):c.5038A>G (p.Ile1680Val)

Gene: SETD1A (SET domain containing 1A, histone lysine methyltransferase; plus strand). Cytogenetic location: 16p11.2.
Variant type: single nucleotide variant.
Coding change: c.5038A>G on transcript NM_014712.3 (MANE Select); coding-DNA position 5038, A replaced by G.
Protein change: p.Ile1680Val; replaces isoleucine 1680 with valine.
Molecular consequence: missense variant.
Genome position (GRCh38, 1-based): chr16:30,983,937, A>G. VCF-style: chr16-30983937-A-G. GRCh37 (hg19) VCF-style: chr16-30995258-A-G.
Other names: short protein forms I1680V.
Identifiers: ClinVar variation 5037601 (VCV005037601.1).
Genomic context (GRCh38, chr16:30,983,937, plus strand): 5'-ATCGAGTCCCAGAAGAAGATCGTGATCTACTCCAAGCAGCCCATTGGCGTGGACGAGGAG[A>G]TCACCTACGACTACAAGTTCCCACTGGAAGACAACAAGATCCCGTGTCTGTGTGGCACAG-3'
Protein context (NP_055527.1, residues 1670-1690): SKQPIGVDEE[Ile1680Val]TYDYKFPLED